The following is an entry in ClinVar:

NM_194248.3(OTOF):c.5800dup (p.Leu1934fs)

Gene: OTOF (otoferlin; minus strand). Cytogenetic location: 2p23.3.
Variant type: Duplication.
Coding change: c.5800dup on transcript NM_194248.3 (MANE Select); coding-DNA position 5800, one base duplicated (C; older notation c.5800dupC).
Protein change: p.Leu1934fs; shifts the reading frame from leucine 1934.
Molecular consequence: frameshift variant.
Genome position (GRCh38, 1-based): chr2:26,460,660, G duplicated on the plus strand (C on the coding strand, the reverse complement: OTOF is on the minus strand); the first of 5 consecutive G bases (chr2:26,460,660-26,460,664); duplicating any one gives the same sequence. VCF-style (leftmost placement, unchanged base first): chr2-26460659-A-AG. GRCh37 (hg19) VCF-style: chr2-26683527-A-AG.
Other names: c.5800dup, p.Leu1934fs (NM_001287489.2); c.3499dup, p.Leu1167fs (NM_004802.4, NM_194323.3); c.3730dup, p.Leu1244fs (NM_194322.3); short protein forms L1934fs, L1244fs, L1167fs.
Identifiers: ClinVar variation 65812 (VCV000065812.11), dbSNP rs397515609, ClinGen allele CA345141.

ClinVar aggregate classification (germline): Pathogenic/Likely pathogenic. Review status: criteria provided, multiple submitters, no conflicts (2 of 4 stars). 6 submissions from 6 submitters: Pathogenic (2); Likely pathogenic (3). 1 of the submissions does not count toward it. Last evaluated 2025-04-04.

Conditions:
OTOF-related disorder. Also called: OTOF-related condition.
Autosomal recessive nonsyndromic hearing loss 9. Also called: NEUROSENSORY NONSYNDROMIC RECESSIVE DEAFNESS 9; AUDITORY NEUROPATHY, AUTOSOMAL RECESSIVE, 1, TEMPERATURE-SENSITIVE; OTOF-Related Hearing Loss; Deafness, autosomal recessive 9. Identifiers: Orphanet 90636, MedGen C1832828, MONDO:0010986, OMIM 601071.
Bilateral sensorineural hearing impairment. Also called: Bilateral sensorineural hearing loss. Identifiers: MedGen C0452138, HP:0008619.

Submissions (6):

Labcorp Genetics (formerly Invitae), Labcorp
Classification: Pathogenic. Last evaluated: 2025-04-04. Review status: criteria provided, single submitter. Criteria: Invitae Variant Classification Sherloc (09022015). Collection method: clinical testing. Allele origin: germline.
Comment: This sequence change results in a frameshift in the OTOF gene (p.Leu1934Profs*251). While this is not anticipated to result in nonsense mediated decay, it is expected to disrupt the last 64 amino acid(s) of the OTOF protein and extend the protein by 186 additional amino acid residues. This variant is not present in population databases (gnomAD no frequency). This frameshift has been observed in individual(s) with deafness (PMID: 18381613). This variant is also known as p.Leu1934ProfsX185. ClinVar contains an entry for this variant (Variation ID: 65812). This variant disrupts a region of the OTOF protein in which other variant(s) (p.Arg1939Gln) have been determined to be pathogenic (PMID: 22575033, 34424407, 34536124). This suggests that this is a clinically significant region of the protein, and that variants that disrupt it are likely to be disease-causing. For these reasons, this variant has been classified as Pathogenic.

Blueprint Genetics
Classification: Likely pathogenic for OTOF-related disorders. Last evaluated: 2022-07-12. Review status: criteria provided, single submitter. Criteria: ACMG Guidelines, 2015. Collection method: clinical testing. Allele origin: germline. Affected: yes. Observed: 5 variant alleles.

Fulgent Genetics
Classification: Likely pathogenic for Autosomal recessive nonsyndromic hearing loss 9. Last evaluated: 2021-10-08. Review status: criteria provided, single submitter. Criteria: ACMG Guidelines, 2015. Collection method: clinical testing. Allele origin: unknown.

GeneDx
Classification: Likely pathogenic. Last evaluated: 2018-12-28. Review status: criteria provided, single submitter. Criteria: GeneDx Variant Classification (06012015). Collection method: clinical testing. Allele origin: germline. Affected: yes.
Comment: The c.5800dupC likely pathogenic variant in the OTOF gene has been reported previously in association with hearing loss (Rodriguez-Ballesteros et al., 2008; Mahdieh et al., 2012). The duplication causes a frameshift starting with codon Leucine 1934, changes this amino acid to a Proline residue and creates a premature Stop codon at position 251 of the new reading frame, denoted p.Leu1934ProfsX251. The c.5800dupC variant is not observed in large population cohorts (Lek et al., 2016). This likely pathogenic variant is predicted to result in protein truncation, as the last 64 amino acids are lost and replaced with 250 incorrect amino acids (Stenson et al., 2014). In summary, we interpret this variant as likely pathogenic.

Laboratory of Human Genetics, Institute of Biosciences - University of Sao Paulo
Classification: Pathogenic for Bilateral sensorineural hearing impairment. Review status: criteria provided, single submitter. Criteria: ClinGen HL ACMG Specifications v1. Collection method: research. Allele origin: germline. Affected: yes. Observed: 1 compound heterozygote. Segregation with disease observed.

GeneReviews
No classification provided. Condition: Autosomal recessive nonsyndromic hearing loss 9. Review status: no classification provided. Collection method: literature only. Allele origin: unknown. Not counted in ClinVar's aggregate classification.

Literature cited by the submitters: PubMed 18381613 (cited by Labcorp Genetics (formerly Invitae), Labcorp and GeneReviews); PubMed 22575033 (cited by Labcorp Genetics (formerly Invitae), Labcorp); PubMed 34424407 (cited by Labcorp Genetics (formerly Invitae), Labcorp); PubMed 34536124 (cited by Labcorp Genetics (formerly Invitae), Labcorp); PubMed 34652575 (cited by Laboratory of Human Genetics, Institute of Biosciences - University of Sao Paulo); PubMed 19461658 (cited by Laboratory of Human Genetics, Institute of Biosciences - University of Sao Paulo); PubMed 20301429 (cited by GeneReviews); NCBI Bookshelf NBK1251 (cited by GeneReviews).